The following is an entry in ClinVar:

ClinVar aggregate classification (germline): Uncertain significance. Review status: criteria provided, multiple submitters, no conflicts (2 of 4 stars). 2 submissions from 2 submitters: Uncertain significance (2). Last evaluated 2025-08-01.

Conditions:
Inborn genetic diseases. Identifiers: MedGen C0950123, MeSH D030342.

Allele frequency attached by ClinVar (database versions not stated): ESP Exome Variant Server 0.00008; TOPMed 0.00008.
gnomAD v4.1: 22 of 1,612,866 alleles (0.0014%); highest among the groups gnomAD compares: African/African-American, 0.027%; no homozygotes.

Submissions (2):

Ambry Genetics
Classification: Uncertain significance for Inborn genetic diseases. Last evaluated: 2025-08-01. Review status: criteria provided, single submitter. Criteria: Ambry Variant Classification Scheme 2023. Collection method: clinical testing. Allele origin: germline.

Labcorp Genetics (formerly Invitae), Labcorp
Classification: Uncertain significance. Last evaluated: 2023-07-22. Review status: criteria provided, single submitter. Criteria: Invitae Variant Classification Sherloc (09022015). Collection method: clinical testing. Allele origin: germline.
Comment: Advanced modeling of protein sequence and biophysical properties (such as structural, functional, and spatial information, amino acid conservation, physicochemical variation, residue mobility, and thermodynamic stability) performed at Invitae indicates that this missense variant is expected to disrupt DNAAF4 protein function. This sequence change replaces arginine, which is basic and polar, with leucine, which is neutral and non-polar, at codon 410 of the DNAAF4 protein (p.Arg410Leu). This variant is present in population databases (rs375847604, gnomAD 0.02%). This variant has not been reported in the literature in individuals affected with DNAAF4-related conditions. ClinVar contains an entry for this variant (Variation ID: 1044412). In summary, the available evidence is currently insufficient to determine the role of this variant in disease. Therefore, it has been classified as a Variant of Uncertain Significance.

NM_130810.4(DNAAF4):c.1229G>T (p.Arg410Leu)

Genes: DNAAF4 (dynein axonemal assembly factor 4; minus strand), DNAAF4-CCPG1 (DNAAF4-CCPG1 readthrough (NMD candidate); minus strand). Cytogenetic location: 15q21.3.
Variant type: single nucleotide variant.
Coding change: c.1229G>T on transcript NM_130810.4 (MANE Select); coding-DNA position 1229, G replaced by T.
Protein change: p.Arg410Leu; replaces arginine 410 with leucine.
Molecular consequence: missense variant. On other transcripts: nonsense (1), intron variant (1).
Genome position (GRCh38, 1-based): chr15:55,430,704, C>A on the plus strand (G>T on the coding strand, the complement: DNAAF4 is on the minus strand). VCF-style: chr15-55430704-C-A. GRCh37 (hg19) VCF-style: chr15-55722902-C-A.
Other names: c.1229G>T (NM_130810.3); c.1123G>T, p.Gly375Ter (NM_001033559.3); c.1047+4201G>T (NM_001033560.2); short protein forms G375*, R410L.
Identifiers: ClinVar variation 1044412 (VCV001044412.7), dbSNP rs375847604, ClinGen allele CA7574772.
Genomic context (GRCh38, chr15:55,430,704, plus strand): 5'-CAATACTTAGTTACTTCTAATAGTCATTAAGATTTTAGTTCTGTTCCTTGAATTACATTC[C>A]GAATCTTCTCAGCATCAATTTGTACAATTTTGTTGGATGGATCAATCTTAAGTGCCGCTT-3'
Protein context (NP_570722.2, residues 400-420): KIVQIDAEKI[Arg410Leu]NVIQGTELKS